The following is an entry in ClinVar:

ClinVar aggregate classification (germline): Uncertain significance (1 of 4 stars; one submission).

Allele frequency attached by ClinVar (database versions not stated): TOPMed below 0.00001.

Submission:

Labcorp Genetics (formerly Invitae), Labcorp
Classification: Uncertain significance. Last evaluated: 2025-05-05. Review status: criteria provided, single submitter. Criteria: Invitae Variant Classification Sherloc (09022015). Collection method: clinical testing. Allele origin: germline.
Comment: This sequence change replaces asparagine, which is neutral and polar, with threonine, which is neutral and polar, at codon 373 of the RNF216 protein (p.Asn373Thr). This variant is not present in population databases (gnomAD no frequency). This variant has not been reported in the literature in individuals affected with RNF216-related conditions. ClinVar contains an entry for this variant (Variation ID: 1360534). An algorithm developed to predict the effect of missense changes on protein structure and function (PolyPhen-2) suggests that this variant is likely to be disruptive. In summary, the available evidence is currently insufficient to determine the role of this variant in disease. Therefore, it has been classified as a Variant of Uncertain Significance.

NM_207111.4(RNF216):c.1118A>C (p.Asn373Thr)

Gene: RNF216 (ring finger protein 216; minus strand). Cytogenetic location: 7p22.1.
Variant type: single nucleotide variant.
Coding change: c.1118A>C on transcript NM_207111.4 (MANE Select); coding-DNA position 1118, A replaced by C.
Protein change: p.Asn373Thr; replaces asparagine 373 with threonine.
Molecular consequence: missense variant.
Genome position (GRCh38, 1-based): chr7:5,739,279, T>G on the plus strand (A>C on the coding strand, the complement: RNF216 is on the minus strand). VCF-style: chr7-5739279-T-G. GRCh37 (hg19) VCF-style: chr7-5778910-T-G.
Other names: c.947A>C, p.Asn316Thr (NM_001377156.1, NM_207116.3); short protein forms N316T, N373T.
Identifiers: ClinVar variation 1360534 (VCV001360534.8), dbSNP rs1794617695, ClinGen allele CA366731520.